The following is an entry in ClinVar:

NM_000821.7(GGCX):c.938_939del (p.Pro313fs)

Gene: GGCX (gamma-glutamyl carboxylase; minus strand). Cytogenetic location: 2p11.2.
Variant type: Deletion.
Coding change: c.938_939del on transcript NM_000821.7 (MANE Select); coding-DNA positions 938 to 939, 2 bases deleted (CT; older notation c.938_939delCT).
Protein change: p.Pro313fs; shifts the reading frame from proline 313.
Molecular consequence: frameshift variant.
Genome position (GRCh38, 1-based): chr2:85,553,448-85,553,449, AG deleted on the plus strand (CT on the coding strand, the reverse complement: GGCX is on the minus strand). VCF-style (leftmost placement, unchanged base first): chr2-85553447-CAG-C. GRCh37 (hg19) VCF-style: chr2-85780570-CAG-C.
Other names: c.767_768del, p.Pro256fs (NM_001142269.4); c.938_939delCT (NM_000821.7); short protein forms P313fs, P256fs.
Identifiers: ClinVar variation 3023945 (VCV003023945.4), dbSNP rs753122975, ClinGen allele CA1741967.
Genomic context (GRCh38, chr2:85,553,447, plus strand): 5'-TGAGGGGCAACAGTTGTTGCAACCTTCGGGGGCAGTAGGACACCAGCTTCCGAGGCCACT[CAG>C]GGGAGCAGAAGAGAGGGCTGCTGGCCAGCATGACGTAGGAGAACATACCTAGGAAAGCAG-3'

ClinVar aggregate classification (germline): Pathogenic/Likely pathogenic. Review status: criteria provided, multiple submitters, no conflicts (2 of 4 stars). 3 submissions from 3 submitters: Pathogenic (2); Likely pathogenic (1). Last evaluated 2026-01-17.

Conditions:
Body skin hyperlaxity due to vitamin K-dependent coagulation factor deficiency (PXECD). Also called: PSEUDOXANTHOMA ELASTICUM-LIKE DISORDER WITH MULTIPLE COAGULATION FACTOR DEFICIENCY; PXE-LIKE DISORDER WITH MULTIPLE COAGULATION FACTOR DEFICIENCY; PXE-like disorder. Identifiers: Orphanet 91135, MedGen C1835813, MONDO:0012570, OMIM 610842.
Vitamin K-dependent clotting factors, combined deficiency of, type 1. Also called: FACTORS II, VII, IX, AND X, COMBINED DEFICIENCY OF; FAMILIAL MULTIPLE COAGULATION FACTOR DEFICIENCY III; FMFD III; GLUTAMIC ACID, DEFICIENT GAMMA-CARBOXYLATION OF; MULTIPLE COAGULATION FACTOR DEFICIENCY III; VITAMIN K-DEPENDENT COAGULATION DEFECT. Identifiers: Orphanet 98434, MedGen C1848534, MONDO:0010187, OMIM 277450.

Allele frequency attached by ClinVar (database versions not stated): gnomAD 0.00006; gnomAD exomes 0.00006; TOPMed 0.00007; ExAC 0.00011; ESP Exome Variant Server 0.00024.

Submissions (3):

Labcorp Genetics (formerly Invitae), Labcorp
Classification: Pathogenic. Last evaluated: 2026-01-17. Review status: criteria provided, single submitter. Criteria: Invitae Variant Classification Sherloc (09022015). Collection method: clinical testing. Allele origin: germline.
Comment: This sequence change creates a premature translational stop signal (p.Pro313Argfs*33) in the GGCX gene. It is expected to result in an absent or disrupted protein product. Loss-of-function variants in GGCX are known to be pathogenic (PMID: 17110937, 17327402, 24520408). This variant is present in population databases (rs753122975, gnomAD 0.02%). This premature translational stop signal has been observed in individual(s) with idiopathic pulmonary arterial hypertension (PMID: 31727138). ClinVar contains an entry for this variant (Variation ID: 3023945). For these reasons, this variant has been classified as Pathogenic.

First Genomix Gene Laboratory, Genetic Diagnostics Department
Classification: Pathogenic for Body skin hyperlaxity due to vitamin K-dependent coagulation factor deficiency; Vitamin K-dependent clotting factors, combined deficiency of, type 1. Last evaluated: 2025-08-26. Review status: criteria provided, single submitter. Criteria: ACMG Guidelines, 2015. Collection method: clinical testing. Allele origin: germline. Inheritance: Autosomal recessive inheritance. Affected: no. Observed: 1 variant allele.

Department of Pathology and Laboratory Medicine, Sinai Health System
Classification: Likely pathogenic for Body skin hyperlaxity due to vitamin K-dependent coagulation factor deficiency; Vitamin K-dependent clotting factors, combined deficiency of, type 1. Last evaluated: 2022-11-01. Review status: criteria provided, single submitter. Criteria: ACMG Guidelines, 2015. Collection method: research. Allele origin: germline.

Literature cited by the submitters: PubMed 17110937 (cited by Labcorp Genetics (formerly Invitae), Labcorp); PubMed 17327402 (cited by Labcorp Genetics (formerly Invitae), Labcorp); PubMed 24520408 (cited by Labcorp Genetics (formerly Invitae), Labcorp); PubMed 31727138 (cited by Labcorp Genetics (formerly Invitae), Labcorp).